The following is an entry in ClinVar:

ClinVar aggregate classification (germline): Uncertain significance (1 of 4 stars; one submission).

Submission:

Ambry Genetics
Classification: Uncertain significance. Last evaluated: 2026-03-19. Review status: criteria provided, single submitter. Criteria: Ambry Variant Classification Scheme 2023. Collection method: clinical testing. Allele origin: germline.
Comment: The c.2876C>T (p.S959L) alteration is located in exon 32 (coding exon 31) of the GTF2I gene. This alteration results from a C to T substitution at nucleotide position 2876, causing the serine (S) at amino acid position 959 to be replaced by a leucine (L). Based on data from gnomAD, the T allele has an overall frequency of 0.001% (3/221030) total alleles studied. The highest observed frequency was 0.003% (3/96504) of European (non-Finnish) alleles. Based on insufficient or conflicting evidence, the clinical significance of this alteration remains unclear.

NM_032999.4(GTF2I):c.2876C>T (p.Ser959Leu)

Genes: GTF2I (general transcription factor IIi; plus strand), LOC106029312 (Williams-Beuren syndrome medial block B recombination region; plus strand). Cytogenetic location: 7q11.23.
Variant type: single nucleotide variant.
Coding change: c.2876C>T on transcript NM_032999.4 (MANE Select); coding-DNA position 2876, C replaced by T.
Protein change: p.Ser959Leu; replaces serine 959 with leucine.
Molecular consequence: missense variant.
Genome position (GRCh38, 1-based): chr7:74,756,841, C>T. VCF-style: chr7-74756841-C-T. GRCh37 (hg19) VCF-style: chr7-74171173-C-T.
Other names: c.2810C>T, p.Ser937Leu (NM_001163636.3); c.2753C>T, p.Ser918Leu (NM_001518.5); c.2816C>T, p.Ser939Leu (NM_033000.4); c.2813C>T, p.Ser938Leu (NM_033001.4); short protein forms S918L, S937L, S938L, S939L, S959L.
Identifiers: ClinVar variation 4858235 (VCV004858235.1).